The following is an entry in ClinVar:

NM_003482.4(KMT2D):c.109C>T (p.His37Tyr)

Gene: KMT2D (lysine methyltransferase 2D; minus strand). Cytogenetic location: 12q13.12.
Variant type: single nucleotide variant.
Coding change: c.109C>T on transcript NM_003482.4 (MANE Select); coding-DNA position 109, C replaced by T.
Protein change: p.His37Tyr; replaces histidine 37 with tyrosine.
Molecular consequence: missense variant.
Genome position (GRCh38, 1-based): chr12:49,054,967, G>A on the plus strand (C>T on the coding strand, the complement: KMT2D is on the minus strand). VCF-style: chr12-49054967-G-A. GRCh37 (hg19) VCF-style: chr12-49448750-G-A.
Other names: short protein forms H37Y.
Identifiers: ClinVar variation 518024 (VCV000518024.6), dbSNP rs1243381790, ClinGen allele CA384690469.
Genomic context (GRCh38, chr12:49,054,967, plus strand): 5'-CCTGAGGAGTCTCCTGAAGCCTGGGACTCCCAGAACTAAGGACAGAGACCTCTCCCACAT[G>A]TGGGTTGGGCAGGTCTGACTCAGTGGCACTTGGGTCCTCAGAAGCTGCAGGTCCATCAGC-3'
Protein context (NP_003473.3, residues 27-47): SATESDLPNP[His37Tyr]VGEVSVLSSG

ClinVar aggregate classification (germline): Conflicting classifications of pathogenicity. Review status: criteria provided, conflicting classifications (1 of 4 stars). 3 submissions from 3 submitters: Uncertain significance (1); Benign (1); Likely benign (1). Last evaluated 2025-09-23.

Conditions:
KMT2D-related disorder. Also called: KMT2D-Related Disorders.
Kabuki syndrome. Also called: Kabuki make-up syndrome; NIIKAWA-KUROKI SYNDROME. Identifiers: Orphanet 2322, MedGen C0796004, MONDO:0016512.

Allele frequency attached by ClinVar (database versions not stated): gnomAD exomes 0.00001; TOPMed 0.00002.
gnomAD v4.1: 8 of 1,614,032 alleles (0.0005%); highest among the groups gnomAD compares: East Asian, 0.013%; no homozygotes.

Submissions (3):

Labcorp Genetics (formerly Invitae), Labcorp
Classification: Benign for Kabuki syndrome. Last evaluated: 2025-09-23. Review status: criteria provided, single submitter. Criteria: Invitae Variant Classification Sherloc (09022015). Collection method: clinical testing. Allele origin: germline.

PreventionGenetics, part of Exact Sciences
Classification: Uncertain significance for KMT2D-related condition. Last evaluated: 2025-08-13. Review status: criteria provided, single submitter. Criteria: ACMG Guidelines, 2015. Collection method: clinical testing. Allele origin: germline.
Comment: The KMT2D c.109C>T variant is predicted to result in the amino acid substitution p.His37Tyr. To our knowledge, this variant has not been reported in the literature. This variant is reported in 0.0058% of alleles in individuals of Latino descent in gnomAD v2 (as displayed in the table above). However, in gnomAD v4 (available only on GRCh38), this variant is reported in 0.013% of alleles in a subpopulation. This population data is not consistent with this variant being a primary cause of disease. Although we suspect that this variant may be benign, at this time, the clinical significance of this variant is uncertain due to the absence of conclusive functional and genetic evidence.

GeneDx
Classification: Likely benign. Last evaluated: 2017-06-05. Review status: criteria provided, single submitter. Criteria: GeneDx Variant Classification (06012015). Collection method: clinical testing. Allele origin: germline. Affected: yes.
Comment: This variant is considered likely benign or benign based on one or more of the following criteria: it is a conservative change, it occurs at a poorly conserved position in the protein, it is predicted to be benign by multiple in silico algorithms, and/or has population frequency not consistent with disease.